The following is an entry in ClinVar:

ClinVar aggregate classification (germline): Uncertain significance (1 of 4 stars; one submission).

gnomAD v4.1: 1 of 1,613,894 alleles (0.000062%); highest among the groups gnomAD compares: Admixed American, 0.0017%; no homozygotes.

Submission:

Labcorp Genetics (formerly Invitae), Labcorp
Classification: Uncertain significance. Last evaluated: 2024-11-16. Review status: criteria provided, single submitter. Criteria: Invitae Variant Classification Sherloc (09022015). Collection method: clinical testing. Allele origin: germline.
Comment: This sequence change replaces alanine, which is neutral and non-polar, with glycine, which is neutral and non-polar, at codon 2059 of the CACNA1D protein (p.Ala2059Gly). This variant is not present in population databases (gnomAD no frequency). This variant has not been reported in the literature in individuals affected with CACNA1D-related conditions. An algorithm developed to predict the effect of missense changes on protein structure and function (PolyPhen-2) suggests that this variant is likely to be tolerated. In summary, the available evidence is currently insufficient to determine the role of this variant in disease. Therefore, it has been classified as a Variant of Uncertain Significance.

NM_001128840.3(CACNA1D):c.6116C>G (p.Ala2039Gly)

Gene: CACNA1D (calcium voltage-gated channel subunit alpha1 D; plus strand). Cytogenetic location: 3p21.1.
Variant type: single nucleotide variant.
Coding change: c.6116C>G on transcript NM_001128840.3 (MANE Select); coding-DNA position 6116, C replaced by G.
Protein change: p.Ala2039Gly; replaces alanine 2039 with glycine.
Molecular consequence: missense variant.
Genome position (GRCh38, 1-based): chr3:53,810,222, C>G. VCF-style: chr3-53810222-C-G. GRCh37 (hg19) VCF-style: chr3-53844249-C-G.
Other names: c.6176C>G, p.Ala2059Gly (NM_000720.4); c.6044C>G, p.Ala2015Gly (NM_001128839.3); short protein forms A2015G, A2059G, A2039G.
Identifiers: ClinVar variation 3725367 (VCV003725367.2).